The following is an entry in ClinVar:

NM_000179.3(MSH6):c.2703T>G (p.Arg901=)

Gene: MSH6 (mutS homolog 6; plus strand). Cytogenetic location: 2p16.3.
Variant type: single nucleotide variant.
Coding change: c.2703T>G on transcript NM_000179.3 (MANE Select); coding-DNA position 2703, T replaced by G.
Protein change: p.Arg901=; no amino-acid change (arginine 901 retained).
Molecular consequence: synonymous variant.
Genome position (GRCh38, 1-based): chr2:47,800,686, T>G. VCF-style: chr2-47800686-T-G. GRCh37 (hg19) VCF-style: chr2-48027825-T-G.
Other names: c.2313T>G, p.Arg771= (NM_001281492.2); c.1797T>G, p.Arg599= (NM_001281493.2, NM_001281494.2).
Identifiers: ClinVar variation 421356 (VCV000421356.12), dbSNP rs1064795083, ClinGen allele CA16617682.

ClinVar aggregate classification (germline): Conflicting classifications of pathogenicity. Review status: criteria provided, conflicting classifications (1 of 4 stars). 4 submissions from 4 submitters: Uncertain significance (1); Benign (1); Likely benign (2). Last evaluated 2025-01-02.

Conditions:
Hereditary nonpolyposis colorectal neoplasms. Identifiers: MedGen C0009405, MeSH D003123.
Lynch syndrome 5 (LYNCH5). Also called: Hereditary non-polyposis colorectal cancer, type 5; Colorectal cancer, hereditary nonpolyposis, type 5. Identifiers: Orphanet 144, MedGen C1833477, MONDO:0013710, OMIM 614350. Disease mechanism: loss of function.
Hereditary cancer-predisposing syndrome. Also called: Hereditary neoplastic syndrome; Tumor predisposition; Neoplastic Syndromes, Hereditary; Hereditary Cancer Syndrome. Identifiers: Orphanet 140162, MedGen C0027672, MeSH D009386, MONDO:0015356.

Allele frequency attached by ClinVar (database versions not stated): gnomAD exomes below 0.00001.
gnomAD v4.1: 1 of 1,614,154 alleles (0.000062%); highest among the groups gnomAD compares: Non-Finnish European, 0.000085%; no homozygotes.

Submissions (4):

Myriad Genetics, Inc.
Classification: Benign for Lynch syndrome 5. Last evaluated: 2025-01-02. Review status: criteria provided, single submitter. Criteria: Myriad Autosomal Dominant, Autosomal Recessive and X-Linked Classification Criteria (2023). Collection method: clinical testing. Allele origin: unknown.
Comment: This variant is considered benign. This variant is a silent/synonymous amino acid change and it is not expected to impact splicing.

Labcorp Genetics (formerly Invitae), Labcorp
Classification: Likely benign for Hereditary nonpolyposis colorectal neoplasms. Last evaluated: 2024-03-06. Review status: criteria provided, single submitter. Criteria: Invitae Variant Classification Sherloc (09022015). Collection method: clinical testing. Allele origin: germline.

GeneDx
Classification: Uncertain significance. Last evaluated: 2016-06-03. Review status: criteria provided, single submitter. Criteria: GeneDx Variant Classification (06012015). Collection method: clinical testing. Allele origin: germline. Affected: yes.
Comment: This variant is denoted MSH6 c.2703T>G at the DNA level. Although this variant is silent at the coding level, preserving an Arginine at codon 901, it is predicted to result in a weaker cryptic splice site upstream of the natural splice donor site. However, in the absence of RNA or functional studies, the actual effect of this variant is unknown. This variant has not, to our knowledge, been published in the literature as being pathogenic or benign. MSH6 c.2703T>G was not observed in approximately 6,500 individuals of European and African American ancestry in the NHLBI Exome Sequencing Project, indicating it is not a common benign variant in these populations.The nucleotide which is altered, a thymine (T) at base 2703, is not conserved. Based on currently available information, it is unclear whether MSH6 c.2703T>G is a pathogenic or benign variant. We consider it to be a variant of uncertain significance.

Ambry Genetics
Classification: Likely benign for Hereditary cancer-predisposing syndrome. Last evaluated: 2015-12-03. Review status: criteria provided, single submitter. Criteria: Ambry Variant Classification Scheme 2023. Collection method: clinical testing. Allele origin: germline.